The following is an entry in ClinVar:

NM_015450.3(POT1):c.547-3C>A

Gene: POT1 (protection of telomeres 1; minus strand). Cytogenetic location: 7q31.33.
Variant type: single nucleotide variant.
Coding change: c.547-3C>A on transcript NM_015450.3 (MANE Select); 3 bases into the intron before coding-DNA position 547, C replaced by A.
Molecular consequence: intron variant.
Genome position (GRCh38, 1-based): chr7:124,859,115, G>T on the plus strand (C>A on the coding strand, the complement: POT1 is on the minus strand). VCF-style: chr7-124859115-G-T. GRCh37 (hg19) VCF-style: chr7-124499169-G-T.
Other names: c.154-3C>A (NM_001042594.2).
Identifiers: ClinVar variation 541866 (VCV000541866.18), dbSNP rs770890978, ClinGen allele CA166070262.

ClinVar aggregate classification (germline): Uncertain significance. Review status: criteria provided, multiple submitters, no conflicts (2 of 4 stars). 4 submissions from 4 submitters: Uncertain significance (4). Last evaluated 2026-01-26.

Conditions:
Tumor predisposition syndrome 3 (TPDS3). Also called: Glioma susceptibility 9; LONG TELOMERE SYNDROME, POT1-RELATED; POT1 Tumor Predisposition; Melanoma, cutaneous malignant, susceptibility to, 10. Identifiers: Orphanet 618, MedGen C4014476, MONDO:0014368, OMIM 615848.
Hereditary cancer-predisposing syndrome. Also called: Hereditary Cancer Syndrome; Neoplastic Syndromes, Hereditary; Hereditary neoplastic syndrome; Tumor predisposition. Identifiers: Orphanet 140162, MedGen C0027672, MeSH D009386, MONDO:0015356.

Allele frequency attached by ClinVar (database versions not stated): gnomAD 0.00001.
gnomAD v4.1: 28 of 1,565,134 alleles (0.0018%); highest among the groups gnomAD compares: Non-Finnish European, 0.0024%; no homozygotes.

Submissions (4):

Labcorp Genetics (formerly Invitae), Labcorp
Classification: Uncertain significance for Tumor predisposition syndrome 3. Last evaluated: 2026-01-26. Review status: criteria provided, single submitter. Criteria: Invitae Variant Classification Sherloc (09022015). Collection method: clinical testing. Allele origin: germline.
Comment: This sequence change falls in intron 8 of the POT1 gene. It does not directly change the encoded amino acid sequence of the POT1 protein. RNA analysis indicates that this variant induces altered splicing and may result in an absent or altered protein product. This variant is not present in population databases (gnomAD no frequency). This variant has not been reported in the literature in individuals affected with POT1-related conditions. ClinVar contains an entry for this variant (Variation ID: 541866). Variants that disrupt the consensus splice site are a relatively common cause of aberrant splicing (PMID: 17576681, 9536098). Studies have shown that this variant results in intron inclusion, and produces a non-functional protein and/or introduces a premature termination codon (internal data). In summary, the available evidence is currently insufficient to determine the role of this variant in disease. Therefore, it has been classified as a Variant of Uncertain Significance.

Ambry Genetics
Classification: Uncertain significance for Hereditary cancer-predisposing syndrome. Last evaluated: 2025-08-05. Review status: criteria provided, single submitter. Criteria: Ambry Variant Classification Scheme 2023. Collection method: clinical testing. Allele origin: germline.
Comment: The c.547-3C>A intronic variant results from a C to A substitution 3 nucleotides before coding exon 5 in the POT1 gene. This nucleotide position is well conserved in available vertebrate species. In silico splice site analysis predicts that this alteration will weaken the native splice acceptor site; however, direct evidence is insufficient at this time (Ambry internal data). Based on the available evidence, the clinical significance of this variant remains unclear.

Genetic Services Laboratory, University of Chicago
Classification: Uncertain significance. Last evaluated: 2021-02-24. Review status: criteria provided, single submitter. Criteria: ACMG Guidelines, 2015. Collection method: clinical testing. Allele origin: germline. Affected: no.
Comment: DNA sequence analysis of the POT1 gene demonstrated a sequence change in intron 8, c.547-3C>A. This intronic change is absent from known population databases (gnomAD). In-silico splice prediction programs suggest that this sequence change may disrupt the consensus splice site, however functional studies have not been performed to confirm this. The functional significance of this sequence change is not known at present and its contribution to this patient's disease phenotype cannot definitively be determined.

GeneDx
Classification: Uncertain significance. Last evaluated: 2019-07-22. Review status: criteria provided, single submitter. Criteria: GeneDx Variant Classification Process June 2021. Collection method: clinical testing. Allele origin: germline. Affected: yes.
Comment: Not observed in large population cohorts (Lek et al., 2016); In silico analysis, which includes splice predictors and evolutionary conservation, supports a deleterious effect; Has not been previously published as pathogenic or benign to our knowledge

Literature cited by the submitters: PubMed 17576681 (cited by Labcorp Genetics (formerly Invitae), Labcorp); PubMed 9536098 (cited by Labcorp Genetics (formerly Invitae), Labcorp).